The following is an entry in ClinVar:

ClinVar aggregate classification (germline): Pathogenic (1 of 4 stars; one submission).

Conditions:
Charcot-Marie-Tooth Neuropathy X. Identifiers: MedGen CN118851.

Submission:

Labcorp Genetics (formerly Invitae), Labcorp
Classification: Pathogenic for Charcot-Marie-Tooth Neuropathy X. Last evaluated: 2024-03-11. Review status: criteria provided, single submitter. Criteria: Invitae Variant Classification Sherloc (09022015). Collection method: clinical testing. Allele origin: germline.
Comment: This sequence change creates a premature translational stop signal (p.Ser62Glnfs*5) in the GJB1 gene. While this is not anticipated to result in nonsense mediated decay, it is expected to disrupt the last 222 amino acid(s) of the GJB1 protein. This variant is not present in population databases (gnomAD no frequency). This variant has not been reported in the literature in individuals affected with GJB1-related conditions. ClinVar contains an entry for this variant (Variation ID: 477590). This variant disrupts a region of the GJB1 protein in which other variant(s) (p.Arg220*) have been determined to be pathogenic (PMID: 8162049, 9364054). This suggests that this is a clinically significant region of the protein, and that variants that disrupt it are likely to be disease-causing. For these reasons, this variant has been classified as Pathogenic.

Literature cited by the submitters: PubMed 8162049; PubMed 9364054.

NM_000166.6(GJB1):c.183dup (p.Ser62fs)

Gene: GJB1 (gap junction protein beta 1; plus strand). Cytogenetic location: Xq13.1.
Variant type: Duplication.
Coding change: c.183dup on transcript NM_000166.6 (MANE Select); coding-DNA position 183, one base duplicated (C; older notation c.183dupC).
Protein change: p.Ser62fs; shifts the reading frame from serine 62.
Molecular consequence: frameshift variant.
Genome position (GRCh38, 1-based): chrX:71,223,890, C duplicated. VCF-style (leftmost placement, unchanged base first): chrX-71223889-A-AC. GRCh37 (hg19) VCF-style: chrX-70443739-A-AC.
Other names: c.183dup, p.Ser62fs (NM_001097642.3); c.183dupC (NM_000166.5); short protein forms S62fs.
Identifiers: ClinVar variation 477590 (VCV000477590.9), dbSNP rs1555937084, ClinGen allele CA658659009.